The following is an entry in ClinVar:

NM_015202.5(KATNIP):c.1870G>A (p.Glu624Lys)

Gene: KATNIP (katanin interacting protein; plus strand). Cytogenetic location: 16p12.1.
Variant type: single nucleotide variant.
Coding change: c.1870G>A on transcript NM_015202.5 (MANE Select); coding-DNA position 1870, G replaced by A.
Protein change: p.Glu624Lys; replaces glutamic acid 624 with lysine.
Molecular consequence: missense variant.
Genome position (GRCh38, 1-based): chr16:27,740,167, G>A. VCF-style: chr16-27740167-G-A. GRCh37 (hg19) VCF-style: chr16-27751488-G-A.
Other names: c.1870G>A (NM_015202.2); short protein forms E624K.
Identifiers: ClinVar variation 2078954 (VCV002078954.4), dbSNP rs139286639, ClinGen allele CA7977849.

ClinVar aggregate classification (germline): Conflicting classifications of pathogenicity. Review status: criteria provided, conflicting classifications (1 of 4 stars). 3 submissions from 3 submitters: Uncertain significance (1); Benign (1); Likely benign (1). Last evaluated 2026-01-05.

Allele frequency attached by ClinVar (database versions not stated): gnomAD exomes 0.00015; ExAC 0.00024; ESP Exome Variant Server 0.00054; gnomAD 0.00064; TOPMed 0.00073; 1000 Genomes Project 30x 0.00094; 1000 Genomes Project 0.00100.
gnomAD v4.1: 335 of 1,614,174 alleles (0.021%); highest among the groups gnomAD compares: Middle Eastern, 0.2%; no homozygotes.

Submissions (3):

Labcorp Genetics (formerly Invitae), Labcorp
Classification: Uncertain significance. Last evaluated: 2026-01-05. Review status: criteria provided, single submitter. Criteria: Invitae Variant Classification Sherloc (09022015). Collection method: clinical testing. Allele origin: germline.
Comment: This sequence change replaces glutamic acid, which is acidic and polar, with lysine, which is basic and polar, at codon 624 of the KIAA0556 protein (p.Glu624Lys). This variant is present in population databases (rs139286639, gnomAD 0.2%). This variant has not been reported in the literature in individuals affected with KIAA0556-related conditions. ClinVar contains an entry for this variant (Variation ID: 2078954). An algorithm developed to predict the effect of missense changes on protein structure and function outputs the following: PolyPhen-2: "Benign". The lysine amino acid residue is found in multiple mammalian species, which suggests that this missense change does not adversely affect protein function. In summary, the available evidence is currently insufficient to determine the role of this variant in disease. Therefore, it has been classified as a Variant of Uncertain Significance.

Blueprint Genetics
Classification: Benign. Last evaluated: 2024-11-27. Review status: criteria provided, single submitter. Criteria: ACMG Guidelines, 2015. Collection method: clinical testing. Allele origin: germline.

Ambry Genetics
Classification: Likely benign. Last evaluated: 2024-06-04. Review status: criteria provided, single submitter. Criteria: Ambry Variant Classification Scheme 2023. Collection method: clinical testing. Allele origin: germline.